The following is an entry in ClinVar:

NM_001113378.2(FANCI):c.2051C>T (p.Pro684Leu)

Gene: FANCI (FA complementation group I; plus strand). Cytogenetic location: 15q26.1.
Variant type: single nucleotide variant.
Coding change: c.2051C>T on transcript NM_001113378.2 (MANE Select); coding-DNA position 2051, C replaced by T.
Protein change: p.Pro684Leu; replaces proline 684 with leucine.
Molecular consequence: missense variant.
Genome position (GRCh38, 1-based): chr15:89,292,746, C>T. VCF-style: chr15-89292746-C-T. GRCh37 (hg19) VCF-style: chr15-89835977-C-T.
Other names: c.1772C>T, p.Pro591Leu (NM_001376910.1); c.2051C>T, p.Pro684Leu (NM_001376911.1, NM_018193.3); short protein forms P591L, P684L.
Identifiers: ClinVar variation 1022514 (VCV001022514.8), dbSNP rs779276973, ClinGen allele CA7723269.

ClinVar aggregate classification (germline): Uncertain significance. Review status: criteria provided, multiple submitters, no conflicts (2 of 4 stars). 3 submissions from 3 submitters: Uncertain significance (3). Last evaluated 2025-06-22.

Conditions:
Fanconi anemia (FA). Also called: Fanconi's anemia. Identifiers: Orphanet 84, MedGen C0015625, MeSH D005199, MONDO:0019391.
Fanconi anemia complementation group I (FANCI). Also called: FANCI-Related Fanconi Anemia. Identifiers: Orphanet 84, MedGen C1836861, MONDO:0012186, OMIM 609053.

Allele frequency attached by ClinVar (database versions not stated): gnomAD 0.00001; gnomAD exomes 0.00002 and 0.00005; TOPMed 0.00003; ExAC 0.00002.
gnomAD v4.1: 81 of 1,613,594 alleles (0.005%); highest among the groups gnomAD compares: Non-Finnish European, 0.0064%; no homozygotes.

Submissions (3):

Dasa
Classification: Uncertain significance. Last evaluated: 2025-06-22. Review status: criteria provided, single submitter. Criteria: DASA Assertion Criteria. Collection method: clinical testing. Allele origin: germline.
Comment: NM_001113378.2(FANCI):c.2051C>T (p.Pro684Leu) is a missense variant that results in the substitution of proline with leucine. This variant is rare in population databases. Computational prediction algorithms are consistent with a benign effect. The currently available literature and clinical evidence are not sufficient to establish a definitive association between this variant and the reported condition. Therefore, this variant is classified as a variant of uncertain significance.

Labcorp Genetics (formerly Invitae), Labcorp
Classification: Uncertain significance for Fanconi anemia. Last evaluated: 2024-12-26. Review status: criteria provided, single submitter. Criteria: Invitae Variant Classification Sherloc (09022015). Collection method: clinical testing. Allele origin: germline.
Comment: This sequence change replaces proline, which is neutral and non-polar, with leucine, which is neutral and non-polar, at codon 684 of the FANCI protein (p.Pro684Leu). This variant is present in population databases (rs779276973, gnomAD 0.005%). This variant has not been reported in the literature in individuals affected with FANCI-related conditions. ClinVar contains an entry for this variant (Variation ID: 1022514). Invitae Evidence Modeling of protein sequence and biophysical properties (such as structural, functional, and spatial information, amino acid conservation, physicochemical variation, residue mobility, and thermodynamic stability) indicates that this missense variant is not expected to disrupt FANCI protein function with a negative predictive value of 80%. In summary, the available evidence is currently insufficient to determine the role of this variant in disease. Therefore, it has been classified as a Variant of Uncertain Significance.

Fulgent Genetics
Classification: Uncertain significance for Fanconi anemia complementation group I. Last evaluated: 2024-01-22. Review status: criteria provided, single submitter. Criteria: ACMG Guidelines, 2015. Collection method: clinical testing. Allele origin: germline.